The following is an entry in ClinVar:

ClinVar aggregate classification (germline): Uncertain significance (1 of 4 stars; one submission).

Conditions:
Familial thoracic aortic aneurysm and aortic dissection (TAAD). Also called: Thoracic aortic aneurysms and dissections. Identifiers: Orphanet 91387, MedGen C4707243, MONDO:0019625.

Submission:

All of Us Research Program, National Institutes of Health
Classification: Uncertain significance for Familial thoracic aortic aneurysm and aortic dissection. Last evaluated: 2023-06-26. Review status: criteria provided, single submitter. Criteria: ACMG Guidelines, 2015. Collection method: clinical testing. Allele origin: germline. Inheritance: Autosomal dominant inheritance. Observed: 1 variant allele, 1 heterozygote.
Comment: This missense variant replaces glutamic acid with lysine at codon 544 of the MYH11 protein. Computational prediction suggests that this variant may have deleterious impact on protein structure and function (internally defined REVEL score threshold >= 0.7, PMID: 27666373). To our knowledge, functional studies have not been reported for this variant. This variant has not been reported in individuals affected with MYH11-related disorders in the literature. This variant has not been identified in the general population by the Genome Aggregation Database (gnomAD). The available evidence is insufficient to determine the role of this variant in disease conclusively. Therefore, this variant is classified as a Variant of Uncertain Significance.

This study involves interpretation of variants in research participants for the purpose of population health screening. Participant phenotype was not available at the time of variant classification. Additional details can be found in publication PMID: 35346344, PMCID: PMC8962531

NM_002474.3(MYH11):c.1609G>A (p.Glu537Lys)

Gene: MYH11 (myosin heavy chain 11; minus strand). Cytogenetic location: 16p13.11.
Variant type: single nucleotide variant.
Coding change: c.1609G>A on transcript NM_002474.3 (MANE Select); coding-DNA position 1609, G replaced by A.
Protein change: p.Glu537Lys; replaces glutamic acid 537 with lysine.
Molecular consequence: missense variant.
Genome position (GRCh38, 1-based): chr16:15,756,481, C>T on the plus strand (G>A on the coding strand, the complement: MYH11 is on the minus strand). VCF-style: chr16-15756481-C-T. GRCh37 (hg19) VCF-style: chr16-15850338-C-T.
Other names: c.1630G>A, p.Glu544Lys (NM_001040113.2, NM_001040114.2); c.1609G>A, p.Glu537Lys (NM_022844.3); short protein forms E537K, E544K.
Identifiers: ClinVar variation 3072027 (VCV003072027.1), dbSNP rs2506359790, ClinGen allele CA394870557.